The following is an entry in ClinVar:

ClinVar aggregate classification (germline): Uncertain significance. Review status: criteria provided, multiple submitters, no conflicts (2 of 4 stars). 2 submissions from 2 submitters: Uncertain significance (2). Last evaluated 2026-01-02.

Conditions:
Hereditary spastic paraplegia 3A (SPG3A). Also called: Spastic paraplegia 3A, autosomal dominant; SPASTIC PARAPLEGIA 3, AUTOSOMAL DOMINANT; FAMILIAL SPASTIC PARAPLEGIA, AUTOSOMAL DOMINANT, 1; SPG3; STRUMPELL DISEASE; Spastic Paraplegia 3A. Identifiers: Orphanet 100984, MedGen C2931355, MONDO:0008437, OMIM 182600.
Inborn genetic diseases. Identifiers: MedGen C0950123, MeSH D030342.

Allele frequency attached by ClinVar (database versions not stated): ExAC 0.00002; gnomAD 0.00003; TOPMed 0.00003.
gnomAD v4.1: 5 of 1,614,206 alleles (0.00031%); highest among the groups gnomAD compares: African/African-American, 0.0067%; no homozygotes.

Submissions (2):

Ambry Genetics
Classification: Uncertain significance for Inborn genetic diseases. Last evaluated: 2026-01-02. Review status: criteria provided, single submitter. Criteria: Ambry Variant Classification Scheme 2023. Collection method: clinical testing. Allele origin: germline.

Labcorp Genetics (formerly Invitae), Labcorp
Classification: Uncertain significance for Hereditary spastic paraplegia 3A. Last evaluated: 2023-08-10. Review status: criteria provided, single submitter. Criteria: Invitae Variant Classification Sherloc (09022015). Collection method: clinical testing. Allele origin: germline.
Comment: This sequence change replaces methionine, which is neutral and non-polar, with isoleucine, which is neutral and non-polar, at codon 87 of the ATL1 protein (p.Met87Ile). This variant is present in population databases (rs759633651, gnomAD 0.006%). This variant has not been reported in the literature in individuals affected with ATL1-related conditions. ClinVar contains an entry for this variant (Variation ID: 2065414). Advanced modeling of protein sequence and biophysical properties (such as structural, functional, and spatial information, amino acid conservation, physicochemical variation, residue mobility, and thermodynamic stability) performed at Invitae indicates that this missense variant is not expected to disrupt ATL1 protein function. In summary, the available evidence is currently insufficient to determine the role of this variant in disease. Therefore, it has been classified as a Variant of Uncertain Significance.

NM_015915.5(ATL1):c.261G>A (p.Met87Ile)

Gene: ATL1 (atlastin GTPase 1; plus strand). Cytogenetic location: 14q22.1.
Variant type: single nucleotide variant.
Coding change: c.261G>A on transcript NM_015915.5 (MANE Select); coding-DNA position 261, G replaced by A.
Protein change: p.Met87Ile; replaces methionine 87 with isoleucine.
Molecular consequence: missense variant.
Genome position (GRCh38, 1-based): chr14:50,588,057, G>A. VCF-style: chr14-50588057-G-A. GRCh37 (hg19) VCF-style: chr14-51054775-G-A.
Other names: c.261G>A, p.Met87Ile (NM_001127713.1, NM_181598.4); short protein forms M87I.
Identifiers: ClinVar variation 2065414 (VCV002065414.7), dbSNP rs759633651, ClinGen allele CA7180187.
Genomic context (GRCh38, chr14:50,588,057, plus strand): 5'-TGTTGCTGTATCTGTTGCTGGAGCATTTAGAAAAGGAAAATCATTCCTGATGGACTTCAT[G>A]TTGAGATACATGTACAACCAGGTATGCAGGAAGTACTTTAAAAAGTTTTCTTTCTTCTGT-3'
Protein context (NP_056999.2, residues 77-97): RKGKSFLMDF[Met87Ile]LRYMYNQESV